The following is an entry in ClinVar:

ClinVar aggregate classification (germline): Uncertain significance (1 of 4 stars; one submission).

Submission:

Labcorp Genetics (formerly Invitae), Labcorp
Classification: Uncertain significance. Last evaluated: 2023-04-09. Review status: criteria provided, single submitter. Criteria: Invitae Variant Classification Sherloc (09022015). Collection method: clinical testing. Allele origin: germline.
Comment: In summary, the available evidence is currently insufficient to determine the role of this variant in disease. Therefore, it has been classified as a Variant of Uncertain Significance. Experimental studies and prediction algorithms are not available or were not evaluated, and the functional significance of this variant is currently unknown. This variant has not been reported in the literature in individuals affected with COL4A1-related conditions. This variant is not present in population databases (gnomAD no frequency). This sequence change replaces arginine, which is basic and polar, with lysine, which is basic and polar, at codon 1419 of the COL4A1 protein (p.Arg1419Lys).

NM_001845.6(COL4A1):c.4256G>A (p.Arg1419Lys)

Gene: COL4A1 (collagen type IV alpha 1 chain; minus strand). Cytogenetic location: 13q34.
Variant type: single nucleotide variant.
Coding change: c.4256G>A on transcript NM_001845.6 (MANE Select); coding-DNA position 4256, G replaced by A.
Protein change: p.Arg1419Lys; replaces arginine 1419 with lysine.
Molecular consequence: missense variant.
Genome position (GRCh38, 1-based): chr13:110,162,436, C>T on the plus strand (G>A on the coding strand, the complement: COL4A1 is on the minus strand). VCF-style: chr13-110162436-C-T. GRCh37 (hg19) VCF-style: chr13-110814783-C-T.
Other names: short protein forms R1419K.
Identifiers: ClinVar variation 2793235 (VCV002793235.3), dbSNP rs2501738864, ClinGen allele CA388658692.